The following is an entry in ClinVar:

ClinVar aggregate classification (germline): Likely benign. Review status: criteria provided, single submitter (1 of 4 stars). 2 submissions from 2 submitters: Likely benign (1). 1 of the submissions does not count toward it. Last evaluated 2023-06-14.

Conditions:
HACE1-related disorder. Also called: HACE1-related condition.

Allele frequency attached by ClinVar (database versions not stated): TOPMed below 0.00001; gnomAD 0.00001; ExAC 0.00002; gnomAD exomes 0.00003.
gnomAD v4.1: 40 of 1,613,882 alleles (0.0025%); highest among the groups gnomAD compares: South Asian, 0.044%; no homozygotes.

Submissions (2):

Labcorp Genetics (formerly Invitae), Labcorp
Classification: Likely benign. Last evaluated: 2023-06-14. Review status: criteria provided, single submitter. Criteria: Invitae Variant Classification Sherloc (09022015). Collection method: clinical testing. Allele origin: germline.

PreventionGenetics, part of Exact Sciences
Classification: Likely benign for HACE1-related condition. Last evaluated: 2019-02-22. Review status: no assertion criteria provided. Collection method: clinical testing. Allele origin: germline. Not counted in ClinVar's aggregate classification.
Comment: This variant is classified as likely benign based on ACMG/AMP sequence variant interpretation guidelines (Richards et al. 2015 PMID: 25741868, with internal and published modifications).

NM_020771.4(HACE1):c.1263T>C (p.Thr421=)

Gene: HACE1 (HECT domain and ankyrin repeat containing E3 ubiquitin protein ligase 1; minus strand). Cytogenetic location: 6q16.3.
Variant type: single nucleotide variant.
Coding change: c.1263T>C on transcript NM_020771.4 (MANE Select); coding-DNA position 1263, T replaced by C.
Protein change: p.Thr421=; no amino-acid change (threonine 421 retained).
Molecular consequence: synonymous variant. On other transcripts: non-coding transcript variant (7).
Genome position (GRCh38, 1-based): chr6:104,785,131, A>G on the plus strand (T>C on the coding strand, the complement: HACE1 is on the minus strand). VCF-style: chr6-104785131-A-G. GRCh37 (hg19) VCF-style: chr6-105233006-A-G.
Other names: c.1131T>C, p.Thr377= (NM_001321080.2); c.1161T>C, p.Thr387= (NM_001321083.2); c.759T>C, p.Thr253= (NM_001321084.2, NM_001350557.2, NM_001350558.2); c.1029T>C, p.Thr343= (NM_001350554.2); c.972T>C, p.Thr324= (NM_001350555.2); c.777T>C, p.Thr259= (NM_001350556.2); c.681T>C, p.Thr227= (NM_001350559.2); c.480T>C, p.Thr160= (NM_001350560.2); and 1 more.
Identifiers: ClinVar variation 2710222 (VCV002710222.5), dbSNP rs747389143, ClinGen allele CA3940293.